The following is an entry in ClinVar:

NM_014639.4(SKIC3):c.2705C>T (p.Ala902Val)

Gene: SKIC3 (SKI3 subunit of superkiller complex; minus strand). Cytogenetic location: 5q15.
Variant type: single nucleotide variant.
Coding change: c.2705C>T on transcript NM_014639.4 (MANE Select); coding-DNA position 2705, C replaced by T.
Protein change: p.Ala902Val; replaces alanine 902 with valine.
Molecular consequence: missense variant.
Genome position (GRCh38, 1-based): chr5:95,513,644, G>A on the plus strand (C>T on the coding strand, the complement: SKIC3 is on the minus strand). VCF-style: chr5-95513644-G-A. GRCh37 (hg19) VCF-style: chr5-94849348-G-A.
Other names: short protein forms A902V.
Identifiers: ClinVar variation 1429149 (VCV001429149.5), dbSNP rs140303195, ClinGen allele CA3346984.

ClinVar aggregate classification (germline): Uncertain significance (1 of 4 stars; one submission).

Allele frequency attached by ClinVar (database versions not stated): gnomAD 0.00002; ESP Exome Variant Server 0.00008; TOPMed 0.00003; ExAC 0.00001.
gnomAD v4.1: 40 of 1,613,410 alleles (0.0025%); highest among the groups gnomAD compares: Admixed American, 0.0067%; no homozygotes.

Submission:

Labcorp Genetics (formerly Invitae), Labcorp
Classification: Uncertain significance. Last evaluated: 2021-09-02. Review status: criteria provided, single submitter. Criteria: Invitae Variant Classification Sherloc (09022015). Collection method: clinical testing. Allele origin: germline.
Comment: This sequence change replaces alanine with valine at codon 902 of the TTC37 protein (p.Ala902Val). The alanine residue is highly conserved and there is a small physicochemical difference between alanine and valine. This variant is present in population databases (rs140303195, ExAC 0.009%). This variant has not been reported in the literature in individuals affected with TTC37-related conditions. Algorithms developed to predict the effect of missense changes on protein structure and function are either unavailable or do not agree on the potential impact of this missense change (SIFT: "Deleterious"; PolyPhen-2: "Probably Damaging"; Align-GVGD: "Class C0"). In summary, the available evidence is currently insufficient to determine the role of this variant in disease. Therefore, it has been classified as a Variant of Uncertain Significance.